The following is an entry in ClinVar:

ClinVar aggregate classification (germline): Pathogenic. Review status: criteria provided, multiple submitters, no conflicts (2 of 4 stars). 2 submissions from 2 submitters: Pathogenic (2). Last evaluated 2025-08-19.

Conditions:
Hereditary cancer-predisposing syndrome. Also called: Neoplastic Syndromes, Hereditary; Tumor predisposition; Hereditary Cancer Syndrome; Hereditary neoplastic syndrome. Identifiers: Orphanet 140162, MedGen C0027672, MeSH D009386, MONDO:0015356.
Multiple endocrine neoplasia type 4. Also called: MULTIPLE ENDOCRINE NEOPLASIA, TYPE IV. Identifiers: Orphanet 276152, MedGen C1970712, MONDO:0012552, OMIM 610755.

Submissions (2):

Ambry Genetics
Classification: Pathogenic for Hereditary cancer-predisposing syndrome. Last evaluated: 2025-08-19. Review status: criteria provided, single submitter. Criteria: Ambry Variant Classification Scheme 2023. Collection method: clinical testing. Allele origin: germline.
Comment: The p.S175* pathogenic mutation (also known as c.524C>G), located in coding exon 2 of the CDKN1B gene, results from a C to G substitution at nucleotide position 524. This changes the amino acid from a serine to a stop codon within coding exon 2. This variant is considered to be rare based on population cohorts in the Genome Aggregation Database (gnomAD). This alteration is expected to result in loss of function by premature protein truncation or nonsense-mediated mRNA decay. As such, this alteration is interpreted as a disease-causing mutation.

Labcorp Genetics (formerly Invitae), Labcorp
Classification: Pathogenic for Multiple endocrine neoplasia type 4. Last evaluated: 2025-07-25. Review status: criteria provided, single submitter. Criteria: Invitae Variant Classification Sherloc (09022015). Collection method: clinical testing. Allele origin: germline.
Comment: This sequence change creates a premature translational stop signal (p.Ser175*) in the CDKN1B gene. It is expected to result in an absent or disrupted protein product. Loss-of-function variants in CDKN1B are known to be pathogenic (PMID: 17030811, 24819502). This variant is not present in population databases (gnomAD no frequency). This variant has not been reported in the literature in individuals affected with CDKN1B-related conditions. For these reasons, this variant has been classified as Pathogenic.

Literature cited by the submitters: PubMed 17030811 (cited by Labcorp Genetics (formerly Invitae), Labcorp); PubMed 24819502 (cited by Labcorp Genetics (formerly Invitae), Labcorp).

NM_004064.5(CDKN1B):c.524C>G (p.Ser175Ter)

Gene: CDKN1B (cyclin dependent kinase inhibitor 1B; plus strand). Cytogenetic location: 12p13.1.
Variant type: single nucleotide variant.
Coding change: c.524C>G on transcript NM_004064.5 (MANE Select); coding-DNA position 524, C replaced by G.
Protein change: p.Ser175Ter; replaces serine 175 with a stop codon.
Molecular consequence: nonsense.
Genome position (GRCh38, 1-based): chr12:12,718,873, C>G. VCF-style: chr12-12718873-C-G. GRCh37 (hg19) VCF-style: chr12-12871807-C-G.
Other names: short protein forms S175*.
Identifiers: ClinVar variation 4224739 (VCV004224739.2).